The following continues an entry in ClinVar:

NM_014233.4(UBTF):c.628G>A (p.Glu210Lys)

ClinVar aggregate classification (germline): Pathogenic/Likely pathogenic. Pathogenic (16); Likely pathogenic (2).

Submissions 11 to 19 of 19:

Laboratory for Molecular Medicine, Mass General Brigham Personalized Medicine
Classification: Pathogenic for Rare syndromic intellectual disability. Last evaluated: 2020-03-04. Review status: criteria provided, single submitter. Criteria: LMM Criteria. Collection method: clinical testing. Allele origin: germline. Inheritance: Autosomal dominant inheritance. Observed: 1 variant allele.
Comment: The p.Glu210Lys variant in UBTF has been reported as a de novo occurrence, with maternity and paternity confirmed, in at least 10 individuals with clinical features of neurodegeneration in childhood (Edvardson et al 2017; Kosmicki et al 2017; Sedlackova et al 2018; Toro et al 2018; Bastos et al 2020). This variant has been reported in ClinVar (Variation ID: 437909) and was absent from large population studies. In vitro functional studies provide evidence that the p.Glu210Lys variant impacts protein function (PMID: 28777933, 29300972). However, these types of assays may not accurately represent biological function. Additionally, computational prediction tools and conservation analysis suggest that the p.Glu210Lys variant may impact the protein. In summary, this variant meets criteria to be classified as pathogenic for neurodegeneration in childhood in an autosomal dominant manner based upon de novo inheritance in multiple cases and absence from controls. ACMG/AMP Criteria applied: PS2_VeryStrong, PS4, PM2, PS3_Moderate, PP3.

Baylor Genetics
Classification: Pathogenic for Childhood-onset motor and cognitive regression syndrome with extrapyramidal movement disorder. Last evaluated: 2020-02-07. Review status: criteria provided, single submitter. Criteria: ACMG Guidelines, 2015. Collection method: clinical testing. Allele origin: unknown. Affected: yes.
Comment: This variant was determined to be pathogenic according to ACMG Guidelines, 2015 [PMID:25741868].

SIB Swiss Institute of Bioinformatics
Classification: Likely pathogenic for Childhood-onset motor and cognitive regression syndrome with extrapyramidal movement disorder. Last evaluated: 2018-04-16. Review status: criteria provided, single submitter. Criteria: ACMG Guidelines, 2015. Collection method: curation. Allele origin: germline.
Comment: This variant is interpreted as a Likely Pathogenic, for Neurodegeneration, childhood-onset, with brain atrophy, Autosomal Dominant inheritance. The following ACMG Tag(s) were applied: PM2 => Absent from controls (or at extremely low frequency if recessive) in Exome Sequencing Project, 1000 Genomes Project, or Exome Aggregation Consortium. PP3 => Multiple lines of computational evidence support a deleterious effect on the gene or gene product. PS3 => Well-established functional studies show a deleterious effect (PMID:28777933). PM6 => Assumed de novo, but without confirmation of paternity and maternity (PMID:28777933).

Institute of Human Genetics Munich, TUM University Hospital
Classification: Pathogenic for Childhood-onset motor and cognitive regression syndrome with extrapyramidal movement disorder. Last evaluated: 2017-12-11. Review status: criteria provided, single submitter. Criteria: Classification criteria August 2017. Collection method: clinical testing. Allele origin: de novo. Inheritance: Autosomal dominant inheritance. Affected: yes. Observed: 4 heterozygotes. Clinical features observed: Loss of speech (HP:0002371), Neurodegeneration (HP:0002180), Seizure (HP:0001250), Delayed speech and language development (HP:0000750), Intellectual disability (HP:0001249), Ataxia (HP:0001251), Cerebral white matter atrophy (HP:0012762), Cognitive impairment (HP:0100543), Microcephaly (HP:0000252), Motor deterioration (HP:0002333), Punctate periventricular T2 hyperintense foci (HP:0030081), Excessive salivation (HP:0003781), and 5 more.

Undiagnosed Diseases Program Translational Research Laboratory, National Institutes of Health
Classification: Likely pathogenic for Infantile or childhood onset neurodegenerative disease, global developmental delay, and intellectual disability. Last evaluated: 2017-09-11. Review status: criteria provided, single submitter. Criteria: ubtf_clinvar_assertion.docx. Collection method: research. Allele origin: de novo. Inheritance: Sporadic. Affected: yes. Observed: 3 variant alleles, 3 heterozygotes. Clinical features observed: Neurodegeneration, Global developmental delay, Intellectual disability. Study: UDP.
Comment: We have 3 patients with similar clinical phenotype, not otherwise associated with other genes, shown to harbor this particular variant that was found by exome sequencing.

Mark LeDoux Lab, University of Tennessee Health Science Center
Classification: Pathogenic for UBTF E210K Neuroregression Syndrome. Last evaluated: 2017-09-02. Review status: criteria provided, single submitter. Criteria: ACMG Guidelines, 2015. Collection method: clinical testing, in vitro. Allele origin: de novo, not applicable. Inheritance: Autosomal dominant inheritance. Affected: yes. Observed: 1 variant allele, 1 hemizygote.
Comment: Patient fibroblasts showed normal levels of UBTF transcript, increased expression of pre-rRNA and 18S rRNA, nucleolar abnormalities, markedly increased numbers of DNA breaks, defective cell-cycle progression, and apoptosis. Expression of mutant human UBTF NM_014233.3:c.628G>A cDNA in Drosophila neurons was lethal.

Ambry Genetics
Classification: Pathogenic for Inborn genetic diseases. Last evaluated: 2017-05-30. Review status: criteria provided, single submitter. Criteria: Ambry exome assertion method (8-5-2015). Collection method: clinical testing. Allele origin: germline. Affected: yes. Observed: 2 variant alleles.

Centre de Biologie Pathologie Génétique, Centre Hospitalier Universitaire de Lille
Classification: Pathogenic for Childhood-onset motor and cognitive regression syndrome with extrapyramidal movement disorder. Review status: criteria provided, single submitter. Criteria: ACMG Guidelines, 2015. Collection method: clinical testing. Allele origin: de novo. Affected: yes.

OMIM
Classification: Pathogenic for NEURODEGENERATION, CHILDHOOD-ONSET, WITH BRAIN ATROPHY. Last evaluated: 2024-12-09. Review status: no assertion criteria provided. Collection method: literature only. Allele origin: germline. Not counted in ClinVar's aggregate classification.

Literature cited by the submitters: PubMed 28777933 (cited by 7 submitters); PubMed 29300972 (cited by 6 submitters); PubMed 30517966 (cited by 3 submitters); PubMed 31931739 (cited by Illumina Laboratory Services, Illumina and Laboratory for Molecular Medicine, Mass General Brigham Personalized Medicine); PubMed 33026538 (cited by Illumina Laboratory Services, Illumina); PubMed 28191890 (cited by Broad Center for Mendelian Genomics, Broad Institute of MIT and Harvard and Laboratory for Molecular Medicine, Mass General Brigham Personalized Medicine); Toro, C., Hori, R. T., Malicdan, M. C. V., Tifft, C. J., Goldstein, A., Gahl, W. A., Adams, D. R., Fauni, H. B., Wolfe, L. A., Xiao, J., Khan, M. M., Tian, J., Hope, K. A., Reiter, L. T., Tremblay, M. G., Moss, T., Franks, A. L., Balak, C., C4RCD Researh Group, LeDoux, M. S. A recurrent de novo missense mutation in UBTF causes developmental neuroregression. Hum. Molec. Genet. 27: 691-705, 2018. Note: Erratum: Hum. Molec. Genet. 27: 1310 only, 2018. (cited by OMIM).